The following is an entry in ClinVar:

NM_153682.3(PIGP):c.211G>A (p.Val71Met)

Gene: PIGP (phosphatidylinositol glycan anchor biosynthesis class P; minus strand). Cytogenetic location: 21q22.13.
Variant type: single nucleotide variant.
Coding change: c.211G>A on transcript NM_153682.3 (MANE Select); coding-DNA position 211, G replaced by A.
Protein change: p.Val71Met; replaces valine 71 with methionine.
Molecular consequence: missense variant.
Genome position (GRCh38, 1-based): chr21:37,067,325, C>T on the plus strand (G>A on the coding strand, the complement: PIGP is on the minus strand). VCF-style: chr21-37067325-C-T. GRCh37 (hg19) VCF-style: chr21-38439625-C-T.
Other names: c.211G>A, p.Val71Met (NM_001320480.2); c.133G>A, p.Val45Met (NM_016430.4); c.283G>A, p.Val95Met (NM_153681.2); short protein forms V71M, V45M, V95M.
Identifiers: ClinVar variation 1377286 (VCV001377286.13), dbSNP rs371292571, ClinGen allele CA10021075.
Genomic context (GRCh38, chr21:37,067,325, plus strand): 5'-TGATTGTATGGATGGAGTCGAGTGGAGAGGTACTCATCATGTTAATCCCAAACAAGAGCA[C>T]GTAGCCAATTACTATAGCAATAAGGAGGTAGACAGGTAATGCAACTGCCCAATATCTGCC-3'
Protein context (NP_710149.1, residues 61-81): YLLIAIVIGY[Val71Met]LLFGINMMST

ClinVar aggregate classification (germline): Uncertain significance. Review status: criteria provided, multiple submitters, no conflicts (2 of 4 stars). 2 submissions from 2 submitters: Uncertain significance (2). Last evaluated 2025-04-01.

Allele frequency attached by ClinVar (database versions not stated): ESP Exome Variant Server 0.00008; TOPMed 0.00011; gnomAD 0.00013.
gnomAD v4.1: 117 of 1,612,116 alleles (0.0073%); highest among the groups gnomAD compares: South Asian, 0.018%; 1 homozygote.

Submissions (2):

CeGaT Center for Human Genetics Tuebingen
Classification: Uncertain significance. Last evaluated: 2025-04-01. Review status: criteria provided, single submitter. Criteria: CeGaT Center For Human Genetics Tuebingen Variant Classification Criteria Version 2. Collection method: clinical testing. Allele origin: germline. Affected: yes. Observed: 1 variant allele.
Comment: PIGP: PM2, BP4

Labcorp Genetics (formerly Invitae), Labcorp
Classification: Uncertain significance. Last evaluated: 2025-01-06. Review status: criteria provided, single submitter. Criteria: Invitae Variant Classification Sherloc (09022015). Collection method: clinical testing. Allele origin: germline.
Comment: This sequence change replaces valine, which is neutral and non-polar, with methionine, which is neutral and non-polar, at codon 95 of the PIGP protein (p.Val95Met). This variant is present in population databases (rs371292571, gnomAD 0.1%). This variant has not been reported in the literature in individuals affected with PIGP-related conditions. ClinVar contains an entry for this variant (Variation ID: 1377286). An algorithm developed to predict the effect of missense changes on protein structure and function (PolyPhen-2) suggests that this variant is likely to be disruptive. In summary, the available evidence is currently insufficient to determine the role of this variant in disease. Therefore, it has been classified as a Variant of Uncertain Significance.